The following is an entry in ClinVar:

ClinVar aggregate classification (germline): Uncertain significance (1 of 4 stars; one submission).

Allele frequency attached by ClinVar (database versions not stated): gnomAD 0.00001; gnomAD exomes 0.00002; TOPMed 0.00007; ExAC 0.00010.
gnomAD v4.1: 34 of 1,613,618 alleles (0.0021%); highest among the groups gnomAD compares: Admixed American, 0.055%; no homozygotes.

Submission:

Labcorp Genetics (formerly Invitae), Labcorp
Classification: Uncertain significance. Last evaluated: 2022-08-13. Review status: criteria provided, single submitter. Criteria: Invitae Variant Classification Sherloc (09022015). Collection method: clinical testing. Allele origin: germline.
Comment: This sequence change replaces serine, which is neutral and polar, with phenylalanine, which is neutral and non-polar, at codon 249 of the IARS2 protein (p.Ser249Phe). This variant is present in population databases (rs754889916, gnomAD 0.09%). This variant has not been reported in the literature in individuals affected with IARS2-related conditions. Algorithms developed to predict the effect of missense changes on protein structure and function are either unavailable or do not agree on the potential impact of this missense change (SIFT: "Deleterious"; PolyPhen-2: "Probably Damaging"; Align-GVGD: "Class C15"). In summary, the available evidence is currently insufficient to determine the role of this variant in disease. Therefore, it has been classified as a Variant of Uncertain Significance.

NM_018060.4(IARS2):c.746C>T (p.Ser249Phe)

Gene: IARS2 (isoleucyl-tRNA synthetase 2, mitochondrial; plus strand). Cytogenetic location: 1q41.
Variant type: single nucleotide variant.
Coding change: c.746C>T on transcript NM_018060.4 (MANE Select); coding-DNA position 746, C replaced by T.
Protein change: p.Ser249Phe; replaces serine 249 with phenylalanine.
Molecular consequence: missense variant.
Genome position (GRCh38, 1-based): chr1:220,102,409, C>T. VCF-style: chr1-220102409-C-T. GRCh37 (hg19) VCF-style: chr1-220275751-C-T.
Other names: short protein forms S249F.
Identifiers: ClinVar variation 2146040 (VCV002146040.1), dbSNP rs754889916, ClinGen allele CA1401202.